The following is an entry in ClinVar:

NM_032482.3(DOT1L):c.4127T>C (p.Leu1376Pro)

Gene: DOT1L (DOT1 like histone lysine methyltransferase; plus strand). Cytogenetic location: 19p13.3.
Variant type: single nucleotide variant.
Coding change: c.4127T>C on transcript NM_032482.3 (MANE Select); coding-DNA position 4127, T replaced by C.
Protein change: p.Leu1376Pro; replaces leucine 1376 with proline.
Molecular consequence: missense variant.
Genome position (GRCh38, 1-based): chr19:2,226,648, T>C. VCF-style: chr19-2226648-T-C. GRCh37 (hg19) VCF-style: chr19-2226647-T-C.
Other names: c.4127T>C, p.Leu1376Pro (NM_001411141.1); short protein forms L1376P.
Identifiers: ClinVar variation 3384304 (VCV003384304.1).

ClinVar aggregate classification (germline): Uncertain significance (1 of 4 stars; one submission).

Submission:

GeneDx
Classification: Uncertain significance. Last evaluated: 2024-06-08. Review status: criteria provided, single submitter. Criteria: GeneDx Variant Classification Process June 2021. Collection method: clinical testing. Allele origin: germline. Affected: yes.
Comment: Not observed at significant frequency in large population cohorts (gnomAD); In silico analysis supports that this missense variant has a deleterious effect on protein structure/function; Has not been previously published as pathogenic or benign to our knowledge